The following is an entry in ClinVar:

ClinVar aggregate classification (germline): Likely benign (1 of 4 stars; one submission).

Conditions:
Marfan syndrome (MFS). Also called: MARFAN SYNDROME, TYPE I; Marfan syndrome type 1; Marfan's syndrome; Marfan syndrome, classic; FBN1-Related Marfan Syndrome. Identifiers: Orphanet 284963, Orphanet 558, MedGen C0024796, MONDO:0007947, OMIM 154700.

Allele frequency attached by ClinVar (database versions not stated): gnomAD exomes below 0.00001.
gnomAD v4.1: 1 of 1,612,812 alleles (0.000062%); highest among the groups gnomAD compares: South Asian, 0.0011%; no homozygotes.

Submission:

All of Us Research Program, National Institutes of Health
Classification: Likely benign for Marfan syndrome. Last evaluated: 2023-11-02. Review status: criteria provided, single submitter. Criteria: ACMG Guidelines, 2015. Collection method: clinical testing. Allele origin: germline. Inheritance: Autosomal dominant inheritance. Observed: 1 variant allele, 1 heterozygote.
Comment: This study involves interpretation of variants in research participants for the purpose of population health screening. Participant phenotype was not available at the time of variant classification. Additional details can be found in publication PMID: 35346344, PMCID: PMC8962531

NM_000138.5(FBN1):c.2700C>T (p.Tyr900=)

Gene: FBN1 (fibrillin 1; minus strand). Cytogenetic location: 15q21.1.
Variant type: single nucleotide variant.
Coding change: c.2700C>T on transcript NM_000138.5 (MANE Select); coding-DNA position 2700, C replaced by T.
Protein change: p.Tyr900=; no amino-acid change (tyrosine 900 retained).
Molecular consequence: synonymous variant.
Genome position (GRCh38, 1-based): chr15:48,494,232, G>A on the plus strand (C>T on the coding strand, the complement: FBN1 is on the minus strand). VCF-style: chr15-48494232-G-A. GRCh37 (hg19) VCF-style: chr15-48786429-G-A.
Other names: c.2700C>T, p.Tyr900= (NM_001406716.1).
Identifiers: ClinVar variation 3074356 (VCV003074356.1), dbSNP rs2505568685, ClinGen allele CA490021610.
Genomic context (GRCh38, chr15:48,494,232, plus strand): 5'-AAAATGTATGGTTTATAAGTAATCAGAAATACCTTCACATTGTGTTCCTTTAATTCTTGA[G>A]TACCCTTTACCACATATGGGATCTGTAATAAAAAGCGAAAAACAAAACAGAAAACAAATT-3'
Protein context (NP_000129.3, residues 890-910): CQVDPICGKG[Tyr900=]SRIKGTQCED